The following is an entry in ClinVar:

NM_000458.4(HNF1B):c.1091C>T (p.Ser364Leu)

Gene: HNF1B (HNF1 homeobox B; minus strand). Cytogenetic location: 17q12.
Variant type: single nucleotide variant.
Coding change: c.1091C>T on transcript NM_000458.4 (MANE Select); coding-DNA position 1091, C replaced by T.
Protein change: p.Ser364Leu; replaces serine 364 with leucine.
Molecular consequence: missense variant.
Genome position (GRCh38, 1-based): chr17:37,710,618, G>A on the plus strand (C>T on the coding strand, the complement: HNF1B is on the minus strand). VCF-style: chr17-37710618-G-A. GRCh37 (hg19) VCF-style: chr17-36070626-G-A.
Other names: c.1013C>T, p.Ser338Leu (NM_001165923.4, NM_001304286.2); c.1091C>T, p.Ser364Leu (NM_001411100.1); short protein forms S338L, S364L.
Identifiers: ClinVar variation 4998716 (VCV004998716.1).
Genomic context (GRCh38, chr17:37,710,618, plus strand): 5'-ACTTGCTGTAAAACCGACTGGCTGGTCACCATGGCGCTGTTGCCATGGTGACTGATTGTT[G>A]AGGAGGAAGTGATCTCATTGTTTCCCTGCTGGCTGTAGCGCACTCCTGCAAAACAACACA-3'
Protein context (NP_000449.1, residues 354-374): QQGNNEITSS[Ser364Leu]TISHHGNSAM

ClinVar aggregate classification (germline): Uncertain significance (1 of 4 stars; one submission).

Conditions:
HNF1B-related disorder. Also called: HNF1B-related condition; HNF1B-related disorders.

gnomAD v4.1: 4 of 1,613,912 alleles (0.00025%); highest among the groups gnomAD compares: Non-Finnish European, 0.00034%; no homozygotes.

Submission:

PreventionGenetics, part of Exact Sciences
Classification: Uncertain significance for HNF1B-related condition. Last evaluated: 2025-03-19. Review status: criteria provided, single submitter. Criteria: ACMG Guidelines, 2015. Collection method: clinical testing. Allele origin: germline.
Comment: The HNF1B c.1091C>T variant is predicted to result in the amino acid substitution p.Ser364Leu. To our knowledge, this variant has not been reported in the literature or in a large population database (gnomAD), indicating this variant is rare. At this time, the clinical significance of this variant is uncertain due to the absence of conclusive functional and genetic evidence.